The following is an entry in ClinVar:

NM_001040108.2(MLH3):c.3132G>A (p.Trp1044Ter)

Gene: MLH3 (mutL homolog 3; minus strand). Cytogenetic location: 14q24.3.
Variant type: single nucleotide variant.
Coding change: c.3132G>A on transcript NM_001040108.2 (MANE Select); coding-DNA position 3132, G replaced by A.
Protein change: p.Trp1044Ter; replaces tryptophan 1044 with a stop codon.
Molecular consequence: nonsense.
Genome position (GRCh38, 1-based): chr14:75,046,524, C>T on the plus strand (G>A on the coding strand, the complement: MLH3 is on the minus strand). VCF-style: chr14-75046524-C-T. GRCh37 (hg19) VCF-style: chr14-75513227-C-T.
Other names: c.3132G>A, p.Trp1044Ter (NM_014381.3); short protein forms W1044*.
Identifiers: ClinVar variation 1727985 (VCV001727985.7), dbSNP rs772314175, ClinGen allele CA263647776.

ClinVar aggregate classification (germline): Conflicting classifications of pathogenicity. Review status: criteria provided, conflicting classifications (1 of 4 stars). 3 submissions from 3 submitters: Pathogenic (2); Uncertain significance (1). Last evaluated 2026-05-29.

Conditions:
Colorectal cancer, hereditary nonpolyposis, type 7. Identifiers: Orphanet 144, MedGen C1858380, MONDO:0013725, OMIM 614385.

Allele frequency attached by ClinVar (database versions not stated): gnomAD exomes below 0.00001.
gnomAD v4.1: 7 of 1,614,188 alleles (0.00043%); highest among the groups gnomAD compares: Non-Finnish European, 0.00059%; no homozygotes.

Submissions (3):

Ambry Genetics
Classification: Pathogenic. Last evaluated: 2026-05-29. Review status: criteria provided, single submitter. Criteria: Ambry Variant Classification Scheme 2023. Collection method: clinical testing. Allele origin: germline.
Comment: The p.W1044* pathogenic mutation (also known as c.3132G>A), located in coding exon 1 of the MLH3 gene, results from a G to A substitution at nucleotide position 3132. This changes the amino acid from a tryptophan to a stop codon within coding exon 1. This variant is considered to be rare based on population cohorts in the Genome Aggregation Database (gnomAD). This alteration is expected to result in loss of function by premature protein truncation or nonsense-mediated mRNA decay. As such, this alteration is interpreted as a disease-causing mutation.

Myriad Genetics, Inc.
Classification: Pathogenic for Colorectal cancer, hereditary nonpolyposis, type 7. Last evaluated: 2025-12-17. Review status: criteria provided, single submitter. Criteria: Myriad Autosomal Dominant, Autosomal Recessive and X-Linked Classification Criteria (2023). Collection method: clinical testing. Allele origin: unknown.
Comment: This variant is considered pathogenic. This variant creates a termination codon and is predicted to result in premature protein truncation.

Labcorp Genetics (formerly Invitae), Labcorp
Classification: Uncertain significance for Colorectal cancer, hereditary nonpolyposis, type 7. Last evaluated: 2024-06-04. Review status: criteria provided, single submitter. Criteria: Invitae Variant Classification Sherloc (09022015). Collection method: clinical testing. Allele origin: germline.
Comment: This sequence change creates a premature translational stop signal (p.Trp1044*) in the MLH3 gene. It is expected to result in an absent or disrupted protein product. However, the current clinical and genetic evidence is not sufficient to establish whether loss-of-function variants in MLH3 cause disease. This variant is not present in population databases (gnomAD no frequency). This variant has not been reported in the literature in individuals affected with MLH3-related conditions. ClinVar contains an entry for this variant (Variation ID: 1727985). In summary, the available evidence is currently insufficient to determine the role of this variant in disease. Therefore, it has been classified as a Variant of Uncertain Significance.